The following is an entry in ClinVar:

ClinVar aggregate classification (germline): Uncertain significance (1 of 4 stars; one submission).

Conditions:
Tuberous sclerosis 2 (TSC2). Identifiers: Orphanet 805, MedGen C1860707, MONDO:0013199, OMIM 613254.

Submission:

Labcorp Genetics (formerly Invitae), Labcorp
Classification: Uncertain significance for Tuberous sclerosis 2. Last evaluated: 2023-08-16. Review status: criteria provided, single submitter. Criteria: Invitae Variant Classification Sherloc (09022015). Collection method: clinical testing. Allele origin: germline.
Comment: In summary, the available evidence is currently insufficient to determine the role of this variant in disease. Therefore, it has been classified as a Variant of Uncertain Significance. Experimental studies and prediction algorithms are not available or were not evaluated, and the functional significance of this variant is currently unknown. This variant has been observed in individual(s) with clinical features of tuberous sclerosis complex (Invitae). This variant is not present in population databases (gnomAD no frequency). This variant, c.1385_1396del, results in the deletion of 4 amino acid(s) of the TSC2 protein (p.Arg462_Val465del), but otherwise preserves the integrity of the reading frame.

NM_000548.5(TSC2):c.1385_1396del (p.Arg462_Val465del)

Gene: TSC2 (TSC complex subunit 2; plus strand). Cytogenetic location: 16p13.3.
Variant type: Deletion.
Coding change: c.1385_1396del on transcript NM_000548.5 (MANE Select); coding-DNA positions 1385 to 1396, 12 bases deleted (GCATCAAGGTGC).
Protein change: p.Arg462_Val465del.
Molecular consequence: inframe deletion. On other transcripts: non-coding transcript variant (5), intron variant (1).
Genome position (GRCh38, 1-based): chr16:2,062,995-2,063,006, GCATCAAGGTGC deleted; deleting any 12 consecutive bases within chr16:2,062,991-2,063,006 gives the same sequence; the c. name uses the placement nearest the transcript's 3' end. VCF-style (leftmost placement, unchanged base first): chr16-2062990-CGTGCGCATCAAG-C. GRCh37 (hg19) VCF-style: chr16-2112991-CGTGCGCATCAAG-C.
Other names: c.1385_1396del, p.Arg462_Val465del (NM_001077183.3, NM_001114382.3, NM_001363528.2 and 6 more transcripts); c.1274_1285del, p.Arg425_Val428del (NM_001318827.2, NM_001406670.1, NM_001406678.1); c.1238_1249del, p.Arg413_Val416del (NM_001318829.2, NM_001406675.1, NM_001406676.1 and 1 more transcripts); c.785_796del, p.Arg262_Val265del (NM_001318831.2, NM_001406680.1, NM_001406682.1 and 6 more transcripts); c.1418_1429del, p.Arg473_Val476del (NM_001318832.2); c.1475_1486del, p.Arg492_Val495del (NM_001406667.1, NM_001406668.1); c.1373_1384del, p.Arg458_Val461del (NM_001406671.1, NM_001406673.1); c.1328_1339del, p.Arg443_Val446del (NM_001406677.1); and 3 more.
Identifiers: ClinVar variation 2752855 (VCV002752855.3), dbSNP rs2548553033, ClinGen allele CA2697549632.